The following is an entry in ClinVar:

NM_024757.5(EHMT1):c.1286G>A (p.Arg429Lys)

Gene: EHMT1 (euchromatic histone lysine methyltransferase 1; plus strand). Cytogenetic location: 9q34.3.
Variant type: single nucleotide variant.
Coding change: c.1286G>A on transcript NM_024757.5 (MANE Select); coding-DNA position 1286, G replaced by A.
Protein change: p.Arg429Lys; replaces arginine 429 with lysine.
Molecular consequence: missense variant.
Genome position (GRCh38, 1-based): chr9:137,754,208, G>A. VCF-style: chr9-137754208-G-A. GRCh37 (hg19) VCF-style: chr9-140648660-G-A.
Other names: c.1286G>A, p.Arg429Lys (NM_001145527.2, NM_001354611.2); c.1193G>A, p.Arg398Lys (NM_001354259.2, NM_001354612.2); c.1265G>A, p.Arg422Lys (NM_001354263.2); short protein forms R398K, R422K, R429K.
Identifiers: ClinVar variation 1571828 (VCV001571828.9), dbSNP rs1949204312, ClinGen allele CA375763050.

ClinVar aggregate classification (germline): Conflicting classifications of pathogenicity. Review status: criteria provided, conflicting classifications (1 of 4 stars). 2 submissions from 2 submitters: Uncertain significance (1); Benign (1). Last evaluated 2025-10-27.

Conditions:
Kleefstra syndrome 1 (KLEFS1). Identifiers: Orphanet 261494, MedGen C0795833, MONDO:0027407, OMIM 610253.

Submissions (2):

Labcorp Genetics (formerly Invitae), Labcorp
Classification: Benign for Kleefstra syndrome 1. Last evaluated: 2025-10-27. Review status: criteria provided, single submitter. Criteria: Invitae Variant Classification Sherloc (09022015). Collection method: clinical testing. Allele origin: germline.

Women's Health and Genetics/Laboratory Corporation of America, LabCorp
Classification: Uncertain significance. Last evaluated: 2024-12-12. Review status: criteria provided, single submitter. Criteria: LabCorp Variant Classification Summary - May 2015. Collection method: clinical testing. Allele origin: germline.
Comment: Variant summary: EHMT1 c.1286G>A (p.Arg429Lys) results in a conservative amino acid change in the encoded protein sequence. Five of five in-silico tools predict a benign effect of the variant on protein function. The variant was absent in 251494 control chromosomes. The available data on variant occurrences in the general population are insufficient to allow any conclusion about variant significance. To our knowledge, no occurrence of c.1286G>A in individuals affected with Kleefstra Syndrome 1 and no experimental evidence demonstrating its impact on protein function have been reported. ClinVar contains an entry for this variant (Variation ID: 1571828). Based on the evidence outlined above, the variant was classified as uncertain significance.